The following is an entry in ClinVar:

NM_001369.3(DNAH5):c.841G>A (p.Val281Ile)

Gene: DNAH5 (dynein axonemal heavy chain 5; minus strand). Cytogenetic location: 5p15.2.
Variant type: single nucleotide variant.
Coding change: c.841G>A on transcript NM_001369.3 (MANE Select); coding-DNA position 841, G replaced by A.
Protein change: p.Val281Ile; replaces valine 281 with isoleucine.
Molecular consequence: missense variant.
Genome position (GRCh38, 1-based): chr5:13,919,310, C>T on the plus strand (G>A on the coding strand, the complement: DNAH5 is on the minus strand). VCF-style: chr5-13919310-C-T. GRCh37 (hg19) VCF-style: chr5-13919419-C-T.
Other names: short protein forms V281I.
Identifiers: ClinVar variation 238988 (VCV000238988.15), dbSNP rs548585661, ClinGen allele CA3205054.

ClinVar aggregate classification (germline): Conflicting classifications of pathogenicity. Review status: criteria provided, conflicting classifications (1 of 4 stars). 3 submissions from 3 submitters: Uncertain significance (1); Likely benign (1). 1 of the submissions does not count toward it. Last evaluated 2023-09-07.

Conditions:
Primary ciliary dyskinesia. Also called: Ciliary dyskinesia. Identifiers: Orphanet 244, MedGen C0008780, MONDO:0016575, HP:0012265.

Allele frequency attached by ClinVar (database versions not stated): gnomAD exomes below 0.00001 and 0.00002; ExAC 0.00002.
gnomAD v4.1: 8 of 1,614,156 alleles (0.0005%); highest among the groups gnomAD compares: South Asian, 0.0077%; 1 homozygote.

Submissions (3):

Ambry Genetics
Classification: Uncertain significance for Primary ciliary dyskinesia. Last evaluated: 2023-09-07. Review status: criteria provided, single submitter. Criteria: Ambry Variant Classification Scheme 2023. Collection method: clinical testing. Allele origin: germline.
Comment: The p.V281I variant (also known as c.841G>A), located in coding exon 7 of the DNAH5 gene, results from a G to A substitution at nucleotide position 841. The valine at codon 281 is replaced by isoleucine, an amino acid with highly similar properties. This amino acid position is not well conserved in available vertebrate species. In addition, this alteration is predicted to be tolerated by in silico analysis. Since supporting evidence is limited at this time, the clinical significance of this alteration remains unclear.

Labcorp Genetics (formerly Invitae), Labcorp
Classification: Likely benign for Primary ciliary dyskinesia. Last evaluated: 2022-10-13. Review status: criteria provided, single submitter. Criteria: Invitae Variant Classification Sherloc (09022015). Collection method: clinical testing. Allele origin: germline.

Natera, Inc.
Classification: Uncertain significance for Primary ciliary dyskinesia. Last evaluated: 2020-09-16. Review status: no assertion criteria provided. Collection method: clinical testing. Allele origin: germline. Not counted in ClinVar's aggregate classification.